The following is an entry in ClinVar:

NM_000384.3(APOB):c.6053C>T (p.Thr2018Ile)

Gene: APOB (apolipoprotein B; minus strand). Cytogenetic location: 2p24.1.
Variant type: single nucleotide variant.
Coding change: c.6053C>T on transcript NM_000384.3 (MANE Select); coding-DNA position 6053, C replaced by T.
Protein change: p.Thr2018Ile; replaces threonine 2018 with isoleucine.
Molecular consequence: missense variant.
Genome position (GRCh38, 1-based): chr2:21,010,815, G>A on the plus strand (C>T on the coding strand, the complement: APOB is on the minus strand). VCF-style: chr2-21010815-G-A. GRCh37 (hg19) VCF-style: chr2-21233687-G-A.
Other names: short protein forms T2018I.
Identifiers: ClinVar variation 3416180 (VCV003416180.2).

ClinVar aggregate classification (germline): Uncertain significance. Review status: criteria provided, multiple submitters, no conflicts (2 of 4 stars). 2 submissions from 2 submitters: Uncertain significance (2). Last evaluated 2025-03-19.

Conditions:
Cardiovascular phenotype. Identifiers: MedGen CN230736.
Familial hypobetalipoproteinemia 1. Also called: Hypobetalipoproteinemia, normotriglyceridemic; Acanthocytosis with hypobetalipoproteinemia; APOB-Related Familial Hypobetalipoproteinemia. Identifiers: MedGen C4551990, MONDO:0014252, OMIM 615558.
Hypercholesterolemia, autosomal dominant, type B (FHCL2). Also called: Familial hypercholesterolemia 2; Familial Hypercholesterolemia Type B; APOLIPOPROTEIN B-100, FAMILIAL DEFECTIVE; APOLIPOPROTEIN B-100, FAMILIAL LIGAND-DEFECTIVE; HYPERCHOLESTEROLEMIA, FAMILIAL, DUE TO LIGAND-DEFECTIVE APOLIPOPROTEIN B; Hyperlipoproteinemia Type IIb. Identifiers: MedGen C1704417, MONDO:0007751, OMIM 144010.

gnomAD v4.1: 7 of 1,614,126 alleles (0.00043%); highest among the groups gnomAD compares: Non-Finnish European, 0.00059%; no homozygotes.

Submissions (2):

Labcorp Genetics (formerly Invitae), Labcorp
Classification: Uncertain significance for Familial hypobetalipoproteinemia 1; Hypercholesterolemia, autosomal dominant, type B. Last evaluated: 2025-03-19. Review status: criteria provided, single submitter. Criteria: Invitae Variant Classification Sherloc (09022015). Collection method: clinical testing. Allele origin: germline.
Comment: This sequence change replaces threonine, which is neutral and polar, with isoleucine, which is neutral and non-polar, at codon 2018 of the APOB protein (p.Thr2018Ile). This variant is present in population databases (rs142626489, gnomAD 0.0009%). This variant has not been reported in the literature in individuals affected with APOB-related conditions. ClinVar contains an entry for this variant (Variation ID: 3416180). Invitae Evidence Modeling of protein sequence and biophysical properties (such as structural, functional, and spatial information, amino acid conservation, physicochemical variation, residue mobility, and thermodynamic stability) indicates that this missense variant is not expected to disrupt APOB protein function with a negative predictive value of 95%. In summary, the available evidence is currently insufficient to determine the role of this variant in disease. Therefore, it has been classified as a Variant of Uncertain Significance.

Ambry Genetics
Classification: Uncertain significance for Cardiovascular phenotype. Last evaluated: 2024-10-08. Review status: criteria provided, single submitter. Criteria: Ambry Variant Classification Scheme 2023. Collection method: clinical testing. Allele origin: germline.
Comment: The p.T2018I variant (also known as c.6053C>T), located in coding exon 26 of the APOB gene, results from a C to T substitution at nucleotide position 6053. The threonine at codon 2018 is replaced by isoleucine, an amino acid with similar properties. This amino acid position is conserved. In addition, this alteration is predicted to be tolerated by in silico analysis. Based on the available evidence, the clinical significance of this variant remains unclear.